The following is an entry in ClinVar:

NM_005633.4(SOS1):c.1296G>C (p.Trp432Cys)

Gene: SOS1 (SOS Ras/Rac guanine nucleotide exchange factor 1; minus strand). Cytogenetic location: 2p22.1.
Variant type: single nucleotide variant.
Coding change: c.1296G>C on transcript NM_005633.4 (MANE Select); coding-DNA position 1296, G replaced by C.
Protein change: p.Trp432Cys; replaces tryptophan 432 with cysteine.
Molecular consequence: missense variant.
Genome position (GRCh38, 1-based): chr2:39,023,132, C>G on the plus strand (G>C on the coding strand, the complement: SOS1 is on the minus strand). VCF-style: chr2-39023132-C-G. GRCh37 (hg19) VCF-style: chr2-39250273-C-G.
Other names: c.1275G>C, p.Trp425Cys (NM_001382394.1); c.1296G>C, p.Trp432Cys (NM_001382395.1); short protein forms W425C, W432C.
Identifiers: ClinVar variation 2725108 (VCV002725108.3), dbSNP rs2529037917, ClinGen allele CA346366497.

ClinVar aggregate classification (germline): Likely pathogenic (1 of 4 stars; one submission).

Conditions:
RASopathy. Also called: Noonan spectrum disorder; rasopathies. Identifiers: Orphanet 536391, MedGen C5555857, MONDO:0021060.

Submission:

Labcorp Genetics (formerly Invitae), Labcorp
Classification: Likely pathogenic for RASopathy. Last evaluated: 2023-06-23. Review status: criteria provided, single submitter. Criteria: Invitae Variant Classification Sherloc (09022015). Collection method: clinical testing. Allele origin: germline.
Comment: In summary, the currently available evidence indicates that the variant is pathogenic, but additional data are needed to prove that conclusively. Therefore, this variant has been classified as Likely Pathogenic. This variant disrupts the p.Trp432 amino acid residue in SOS1. Other variant(s) that disrupt this residue have been determined to be pathogenic (PMID: 17143282, 17586837, 19438935, 21387466, 22465605). This suggests that this residue is clinically significant, and that variants that disrupt this residue are likely to be disease-causing. Advanced modeling of protein sequence and biophysical properties (such as structural, functional, and spatial information, amino acid conservation, physicochemical variation, residue mobility, and thermodynamic stability) performed at Invitae indicates that this missense variant is expected to disrupt SOS1 protein function. This variant has not been reported in the literature in individuals affected with SOS1-related conditions. This variant is not present in population databases (gnomAD no frequency). This sequence change replaces tryptophan, which is neutral and slightly polar, with cysteine, which is neutral and slightly polar, at codon 432 of the SOS1 protein (p.Trp432Cys).

Literature cited by the submitters: PubMed 17143282; PubMed 17586837; PubMed 19438935; PubMed 21387466; PubMed 22465605.